The following is an entry in ClinVar:

NM_006514.4(SCN10A):c.2782C>G (p.Leu928Val)

Genes: SCN10A (sodium voltage-gated channel alpha subunit 10; minus strand), LOC110121288 (VISTA enhancer hs2268; plus strand). Cytogenetic location: 3p22.2.
Variant type: single nucleotide variant.
Coding change: c.2782C>G on transcript NM_006514.4 (MANE Select); coding-DNA position 2782, C replaced by G.
Protein change: p.Leu928Val; replaces leucine 928 with valine.
Molecular consequence: missense variant.
Genome position (GRCh38, 1-based): chr3:38,726,911, G>C on the plus strand (C>G on the coding strand, the complement: SCN10A is on the minus strand). VCF-style: chr3-38726911-G-C. GRCh37 (hg19) VCF-style: chr3-38768402-G-C.
Other names: c.2782C>G, p.Leu928Val (NM_001293306.2); c.2488C>G, p.Leu830Val (NM_001293307.2); short protein forms L830V, L928V.
Identifiers: ClinVar variation 3225638 (VCV003225638.1), dbSNP rs2470672589, ClinGen allele CA352158512.

ClinVar aggregate classification (germline): Uncertain significance (1 of 4 stars; one submission).

Conditions:
Cardiovascular phenotype. Identifiers: MedGen CN230736.

Submission:

Ambry Genetics
Classification: Uncertain significance for Cardiovascular phenotype. Last evaluated: 2024-03-09. Review status: criteria provided, single submitter. Criteria: Ambry Variant Classification Scheme 2023. Collection method: clinical testing. Allele origin: germline.
Comment: The p.L928V variant (also known as c.2782C>G), located in coding exon 16 of the SCN10A gene, results from a C to G substitution at nucleotide position 2782. The leucine at codon 928 is replaced by valine, an amino acid with highly similar properties. This amino acid position is conserved. In addition, this alteration is predicted to be tolerated by in silico analysis. Based on the available evidence, the clinical significance of this alteration remains unclear.